The following is an entry in ClinVar:

ClinVar aggregate classification (germline): Conflicting classifications of pathogenicity. Review status: criteria provided, conflicting classifications (1 of 4 stars). 5 submissions from 5 submitters: Pathogenic (3); Uncertain significance (1). 1 of the submissions does not count toward it. Last evaluated 2025-12-08.

Conditions:
Dystonia 5 (DRD). Also called: GTP Cyclohydrolase 1-Deficient Dopa-Responsive Dystonia; DYT-GCH1; DYSTONIA, PROGRESSIVE, WITH DIURNAL VARIATION; DYSTONIA-PARKINSONISM WITH DIURNAL FLUCTUATION; Dystonia, DOPA-responsive, with or without hyperphenylalaninemia. Identifiers: Orphanet 98808, MedGen C1851920, MONDO:0007495, OMIM 128230.
GTP cyclohydrolase I deficiency. Identifiers: MedGen C0268467, MONDO:0100184.
Dystonia, dopa-responsive, with or without hyperphenylalaninemia, autosomal recessive. Identifiers: MedGen CN322657, MONDO:0100098.

Allele frequency attached by ClinVar (database versions not stated): TOPMed 0.00001.

Submissions (5):

Labcorp Genetics (formerly Invitae), Labcorp
Classification: Pathogenic for GTP cyclohydrolase I deficiency; Dystonia 5. Last evaluated: 2025-12-08. Review status: criteria provided, single submitter. Criteria: Invitae Variant Classification Sherloc (09022015). Collection method: clinical testing. Allele origin: germline.
Comment: This sequence change replaces glycine, which is neutral and non-polar, with aspartic acid, which is acidic and polar, at codon 108 of the GCH1 protein (p.Gly108Asp). This variant is not present in population databases (gnomAD no frequency). This missense change has been observed in individuals with dystonia (PMID: 9667588, 15753436; internal data). ClinVar contains an entry for this variant (Variation ID: 9282). Invitae Evidence Modeling of protein sequence and biophysical properties (such as structural, functional, and spatial information, amino acid conservation, physicochemical variation, residue mobility, and thermodynamic stability) indicates that this missense variant is expected to disrupt GCH1 protein function with a positive predictive value of 80%. This variant disrupts the p.Gly108 amino acid residue in GCH1. Other variant(s) that disrupt this residue have been observed in individuals with GCH1-related conditions (PMID: 16917893, 17898029), which suggests that this may be a clinically significant amino acid residue. For these reasons, this variant has been classified as Pathogenic.

GeneDx
Classification: Uncertain significance. Last evaluated: 2023-12-19. Review status: criteria provided, single submitter. Criteria: GeneDx Variant Classification Process June 2021. Collection method: clinical testing. Allele origin: germline. Affected: yes.
Comment: Identified with a second variant in this gene in a patient with motor delay, dysarthria, and dystonia (PMID: 9667588); Not observed at significant frequency in large population cohorts (gnomAD); In silico analysis supports that this missense variant has a deleterious effect on protein structure/function; This variant is associated with the following publications: (PMID: 18044725, 19332422, 10984668, 9667588)

Mayo Clinic Laboratories, Mayo Clinic
Classification: Pathogenic. Last evaluated: 2023-08-02. Review status: criteria provided, single submitter. Criteria: ACMG Guidelines, 2015. Collection method: clinical testing. Allele origin: germline. Observed: 1 variant allele.
Comment: PP1, PP3, PP4, PM2_moderate, PM5, PS4

Athena Diagnostics
Classification: Pathogenic. Last evaluated: 2021-05-07. Review status: criteria provided, single submitter. Criteria: Athena Diagnostics criteria. Collection method: clinical testing. Allele origin: unknown.
Comment: This variant has not been reported in large, multi-ethnic general populations. This variant associates with disease in multiple families. The GCH1 gene is reported to exhibit gender-related incomplete penetrance of disease. Consistent with this variability, this variant has been reported in individuals with clinical presentations ranging from severe DRD, to adult-onset parkinsonism, to asymptomatic. Computational tools predict that this variant is damaging.

OMIM
Classification: Pathogenic for DYSTONIA, DOPA-RESPONSIVE, WITH OR WITHOUT HYPERPHENYLALANINEMIA, AUTOSOMAL RECESSIVE. Last evaluated: 1998-07-01. Review status: no assertion criteria provided. Collection method: literature only. Allele origin: germline. Not counted in ClinVar's aggregate classification.

Literature cited by the submitters: PubMed 9667588 (cited by 4 submitters); PubMed 15753436 (cited by 3 submitters); PubMed 16917893 (cited by Labcorp Genetics (formerly Invitae), Labcorp and Mayo Clinic Laboratories, Mayo Clinic); PubMed 17898029 (cited by Labcorp Genetics (formerly Invitae), Labcorp and Mayo Clinic Laboratories, Mayo Clinic); PubMed 12112113 (cited by Mayo Clinic Laboratories, Mayo Clinic and Athena Diagnostics); PubMed 19332422 (cited by Mayo Clinic Laboratories, Mayo Clinic); PubMed 21412842 (cited by Mayo Clinic Laboratories, Mayo Clinic and Athena Diagnostics); PubMed 1449240 (cited by Athena Diagnostics); PubMed 8298648 (cited by Athena Diagnostics).

NM_000161.3(GCH1):c.323G>A (p.Gly108Asp)

Gene: GCH1 (GTP cyclohydrolase 1; minus strand). Cytogenetic location: 14q22.2.
Variant type: single nucleotide variant.
Coding change: c.323G>A on transcript NM_000161.3 (MANE Select); coding-DNA position 323, G replaced by A.
Protein change: p.Gly108Asp; replaces glycine 108 with aspartic acid.
Molecular consequence: missense variant.
Genome position (GRCh38, 1-based): chr14:54,902,341, C>T on the plus strand (G>A on the coding strand, the complement: GCH1 is on the minus strand). VCF-style: chr14-54902341-C-T. GRCh37 (hg19) VCF-style: chr14-55369059-C-T.
Other names: c.323G>A, p.Gly108Asp (NM_001024024.2, NM_001024070.2, NM_001024071.2); short protein forms G108D.
Identifiers: ClinVar variation 9282 (VCV000009282.16), dbSNP rs104894435, ClinGen allele CA120279.